The following is an entry in ClinVar:

ClinVar aggregate classification (germline): Conflicting classifications of pathogenicity. Review status: criteria provided, conflicting classifications (1 of 4 stars). 3 submissions from 3 submitters: Uncertain significance (1); Likely benign (2). Last evaluated 2025-09-27.

Conditions:
TRIM32-related disorder. Also called: TRIM32-related condition.
Bardet-Biedl syndrome (BBS). Identifiers: Orphanet 110, MedGen C0752166, MONDO:0015229.

Allele frequency attached by ClinVar (database versions not stated): gnomAD 0.00001; TOPMed 0.00001.
gnomAD v4.1: 11 of 1,614,014 alleles (0.00068%); highest among the groups gnomAD compares: East Asian, 0.0045%; no homozygotes.

Submissions (3):

Labcorp Genetics (formerly Invitae), Labcorp
Classification: Likely benign for Bardet-Biedl syndrome. Last evaluated: 2025-09-27. Review status: criteria provided, single submitter. Criteria: Invitae Variant Classification Sherloc (09022015). Collection method: clinical testing. Allele origin: germline.

PreventionGenetics, part of Exact Sciences
Classification: Likely benign for TRIM32-related condition. Last evaluated: 2025-09-10. Review status: criteria provided, single submitter. Criteria: ACMG Guidelines, 2015. Collection method: clinical testing. Allele origin: germline.
Comment: This variant is classified as likely benign based on ACMG/AMP sequence variant interpretation guidelines (Richards et al. 2015 PMID: 25741868, with internal and published modifications).

Eurofins Ntd Llc (ga)
Classification: Uncertain significance. Last evaluated: 2016-10-20. Review status: criteria provided, single submitter. Criteria: EGL Classification Definitions 2015. Collection method: clinical testing. Allele origin: germline. Observed: 1 variant allele, 1 heterozygote.

NM_012210.4(TRIM32):c.1578C>T (p.Thr526=)

Genes: ASTN2 (astrotactin 2; minus strand), TRIM32 (tripartite motif containing 32; plus strand). Cytogenetic location: 9q33.1.
Variant type: single nucleotide variant.
Coding change: c.1578C>T on transcript NM_012210.4 (MANE Select); coding-DNA position 1578, C replaced by T.
Protein change: p.Thr526=; no amino-acid change (threonine 526 retained).
Molecular consequence: synonymous variant. On other transcripts: intron variant (3).
Genome position (GRCh38, 1-based): chr9:116,699,320, C>T. VCF-style: chr9-116699320-C-T. GRCh37 (hg19) VCF-style: chr9-119461599-C-T.
Other names: c.1578C>T, p.Thr526= (NM_001099679.2, NM_001379048.1, NM_001379049.1 and 1 more transcripts); c.2653+26451G>A (NM_014010.5); c.2794+26451G>A (NM_001365069.1); c.2806+26451G>A (NM_001365068.1).
Identifiers: ClinVar variation 497579 (VCV000497579.14), dbSNP rs778620127, ClinGen allele CA5211175.